The following is an entry in ClinVar:

ClinVar aggregate classification (germline): Likely benign (1 of 4 stars; one submission).

Submission:

GeneDx
Classification: Likely benign. Last evaluated: 2016-04-18. Review status: criteria provided, single submitter. Criteria: GeneDx Variant Classification (06012015). Collection method: clinical testing. Allele origin: germline. Affected: yes.
Comment: This variant is considered likely benign or benign based on one or more of the following criteria: it is a conservative change, it occurs at a poorly conserved position in the protein, it is predicted to be benign by multiple in silico algorithms, and/or has population frequency not consistent with disease.

NM_033360.4(KRAS):c.*134C>T

Gene: KRAS (KRAS proto-oncogene, GTPase; minus strand). Cytogenetic location: 12p12.1.
Variant type: single nucleotide variant.
Coding change: c.*134C>T on transcript NM_033360.4; 134 bases downstream of the stop codon, C replaced by T.
Molecular consequence: 3 prime UTR variant.
Genome position (GRCh38, 1-based): chr12:25,209,782, G>A on the plus strand (C>T on the coding strand, the complement: KRAS is on the minus strand). VCF-style: chr12-25209782-G-A. GRCh37 (hg19) VCF-style: chr12-25362716-G-A.
Other names: c.*134C>T (LRG_344t2, NM_001369786.1); c.*13C>T (LRG_344t1, NM_001369787.1, NM_004985.5).
Identifiers: ClinVar variation 385525 (VCV000385525.1), dbSNP rs1057522250, ClinGen allele CA16606577.
Genomic context (GRCh38, chr12:25,209,782, plus strand): 5'-CTAATAATTTAGTGTAATGTACAAAAATTACCACTTGTACTAGTATGCCTTAAGAAAAAA[G>A]TACAAATTGTATTTACATAATTACACACTTTGTCTTTGACTTCTTTTTCTTCTTTTTACC-3'